The following is an entry in ClinVar:

ClinVar aggregate classification (germline): Benign/Likely benign. Review status: criteria provided, multiple submitters, no conflicts (2 of 4 stars). 8 submissions from 8 submitters: Benign (3); Likely benign (3). 2 of the submissions do not count toward it. Last evaluated 2026-02-01.

Conditions:
Epidermolysis bullosa simplex 5B, with muscular dystrophy (EBS5B). Also called: Epidermolysis bullosa simplex with muscular dystrophy; EPIDERMOLYSIS BULLOSA SIMPLEX AND LIMB-GIRDLE MUSCULAR DYSTROPHY. Identifiers: Orphanet 257, MedGen C2931072, MONDO:0009181, OMIM 226670.
Junctional epidermolysis bullosa with pyloric atresia. Also called: ITGB4-Related Epidermolysis Bullosa with Pyloric Atresia; ITGA6-Related Epidermolysis Bullosa with Pyloric Atresia; Junctional Epidermolysis Bullosa- Pyloric Atresia Syndrome; Epidermolysis bullosa, junctional, with pyloric atresia and aplasia cutis congenita; Epidermolysis bullosa junctionalis with pyloric atresia; APLASIA CUTIS CONGENITA WITH GASTROINTESTINAL ATRESIA. Identifiers: Orphanet 79403, MedGen C5676875, MONDO:0009183, OMIM 226730.
Epidermolysis bullosa simplex, Ogna type (EBS5A). Also called: Pidermolysis bullosa simplex 5A, Ogna type; EPIDERMOLYSIS BULLOSA SIMPLEX 5A, OGNA TYPE. Identifiers: Orphanet 79401, MedGen C0432317, MONDO:0007555, OMIM 131950.
Autosomal recessive limb-girdle muscular dystrophy type 2Q (LGMDR17). Also called: MUSCULAR DYSTROPHY, LIMB-GIRDLE, AUTOSOMAL RECESSIVE 17. Identifiers: Orphanet 254361, MedGen C3150989, MONDO:0013390, OMIM 613723.
Epidermolysis bullosa simplex with nail dystrophy (EBS5D). Identifiers: MedGen C4225309, MONDO:0014661, OMIM 616487.
Epidermolysis bullosa simplex 5C, with pyloric atresia (EBS5C). Also called: Epidermolysis bullosa simplex with pyloric atresia; PLEC-Related Epidermolysis Bullosa with Pyloric Atresia; PLEC1-Related Epidermolysis Bullosa with Pyloric Atresia. Identifiers: Orphanet 158684, MedGen C2677349, MONDO:0012807, OMIM 612138.

Allele frequency attached by ClinVar (database versions not stated): 1000 Genomes Project 30x 0.00265; 1000 Genomes Project 0.00300; gnomAD 0.00910 and 0.00943; ESP Exome Variant Server 0.01172.
gnomAD v4.1: 20,391 of 1,613,726 alleles (1.3%); highest among the groups gnomAD compares: Non-Finnish European, 1.5%; 137 homozygotes.

Submissions (8):

Labcorp Genetics (formerly Invitae), Labcorp
Classification: Benign for Autosomal recessive limb-girdle muscular dystrophy type 2Q; Epidermolysis bullosa simplex, Ogna type; Epidermolysis bullosa simplex with nail dystrophy; Epidermolysis bullosa simplex 5C, with pyloric atresia; Epidermolysis bullosa simplex 5B, with muscular dystrophy. Last evaluated: 2026-02-01. Review status: criteria provided, single submitter. Criteria: Invitae Variant Classification Sherloc (09022015). Collection method: clinical testing. Allele origin: germline.

Fulgent Genetics
Classification: Likely benign for Epidermolysis bullosa simplex, Ogna type; Epidermolysis bullosa simplex 5B, with muscular dystrophy; Junctional epidermolysis bullosa with pyloric atresia; Epidermolysis bullosa simplex 5C, with pyloric atresia; Autosomal recessive limb-girdle muscular dystrophy type 2Q; Epidermolysis bullosa simplex with nail dystrophy. Last evaluated: 2021-09-27. Review status: criteria provided, single submitter. Criteria: ACMG Guidelines, 2015. Collection method: clinical testing. Allele origin: unknown.

Mayo Clinic Laboratories, Mayo Clinic
Classification: Benign. Last evaluated: 2018-07-10. Review status: criteria provided, single submitter. Criteria: ACMG Guidelines, 2015. Collection method: clinical testing. Allele origin: germline. Observed: 26 variant alleles.

GeneDx
Classification: Benign. Last evaluated: 2016-05-09. Review status: criteria provided, single submitter. Criteria: GeneDx Variant Classification (06012015). Collection method: clinical testing. Allele origin: germline. Affected: yes.
Comment: This variant is considered likely benign or benign based on one or more of the following criteria: it is a conservative change, it occurs at a poorly conserved position in the protein, it is predicted to be benign by multiple in silico algorithms, and/or has population frequency not consistent with disease.

Breakthrough Genomics
Classification: Likely benign. Review status: criteria provided, single submitter. Criteria: ACMG Guidelines, 2015. Collection method: not provided. Allele origin: germline. Inheritance: Autosomal recessive inheritance. Affected: yes.

PreventionGenetics, part of Exact Sciences
Classification: Likely benign. Review status: criteria provided, single submitter. Criteria: ACMG Guidelines, 2015. Collection method: clinical testing. Allele origin: germline.

Clinical Genetics, Academic Medical Center
Classification: Benign. Review status: no assertion criteria provided. Collection method: clinical testing. Allele origin: germline. Affected: yes. Study: VKGL Data-share Consensus. Not counted in ClinVar's aggregate classification.

Laboratory of Diagnostic Genome Analysis, Leiden University Medical Center (LUMC)
Classification: Likely benign. Review status: no assertion criteria provided. Collection method: clinical testing. Allele origin: germline. Affected: yes. Study: VKGL Data-share Consensus. Not counted in ClinVar's aggregate classification.

NM_201384.3(PLEC):c.12360G>A (p.Pro4120=)

Gene: PLEC (plectin; minus strand). Cytogenetic location: 8q24.3.
Variant type: single nucleotide variant.
Coding change: c.12360G>A on transcript NM_201384.3 (MANE Select); coding-DNA position 12360, G replaced by A.
Protein change: p.Pro4120=; no amino-acid change (proline 4120 retained).
Molecular consequence: synonymous variant.
Genome position (GRCh38, 1-based): chr8:143,917,461, C>T on the plus strand (G>A on the coding strand, the complement: PLEC is on the minus strand). VCF-style: chr8-143917461-C-T. GRCh37 (hg19) VCF-style: chr8-144991629-C-T.
Other names: p.Pro4106=; c.12441G>A, p.Pro4147= (NM_000445.5); c.12318G>A, p.Pro4106= (NM_201378.4); c.12294G>A, p.Pro4098= (NM_201379.3); c.12771G>A, p.Pro4257= (NM_201380.4); c.12264G>A, p.Pro4088= (NM_201381.3); c.12360G>A, p.Pro4120= (NM_201382.4); c.12372G>A, p.Pro4124= (NM_201383.3).
Identifiers: ClinVar variation 256169 (VCV000256169.17), dbSNP rs146781600, ClinGen allele CA4924104.
Genomic context (GRCh38, chr8:143,917,461, plus strand): 5'-TCGGCGCTTGCGCACGGAGGACTTGGAGGACGTCTTCCGCTCCCGCTTCTTCTCCTTCAG[C>T]GGCAAGAGACACAGGCCCGTCTGGGGGTCAGTGATACAACGCTCCATCAGCTGCAGGTAG-3'
Protein context (NP_958786.1, residues 4110-4130): TDPQTGLCLL[Pro4120=]LKEKKRERKT